The following is an entry in ClinVar:

ClinVar aggregate classification (germline): Pathogenic. Review status: reviewed by expert panel (3 of 4 stars). 2 submissions from 2 submitters: Pathogenic (1). 1 of the submissions does not count toward it. Last evaluated 2025-10-09.

Conditions:
Autosomal recessive limb-girdle muscular dystrophy. Identifiers: Orphanet 102015, MedGen C2931907, MONDO:0015152.
Autosomal recessive limb-girdle muscular dystrophy type 2A (LGMDR1). Also called: LEYDEN-MOEBIUS MUSCULAR DYSTROPHY; MUSCULAR DYSTROPHY, PELVOFEMORAL; Muscular dystrophy, limb-girdle, type 2A, Amish; Limb-girdle muscular dystrophy, type 2A; Calpainopathy. Identifiers: Orphanet 267, MedGen C1869123, MONDO:0009675, OMIM 253600. Disease mechanism: loss of function.

Submissions (2):

ClinGen Limb Girdle Muscular Dystrophy Variant Curation Expert Panel, ClinGen
Classification: Pathogenic for Autosomal recessive limb-girdle muscular dystrophy. Last evaluated: 2025-10-09. Review status: reviewed by expert panel. Criteria: ClinGen LGMD VCEP ACMG Specifications CAPN3 V2.0.0. Collection method: curation. Allele origin: germline. Inheritance: Autosomal recessive inheritance.
Comment: The NM_000070.3: c.1194-2del variant in CAPN3 occurs within the canonical splice acceptor site of intron 9. This variant is predicted to abolish the consensus splice acceptor site, with a SpliceAI score of 0.99, and strengthen two alternative acceptor sites in exon 10 at +13 and +37 (SpliceAI score 0.65 and 0.41). Skipping of exon 10, which is out of frame, would be expected to disrupt the reading frame, leading to nonsense mediated RNA decay in a gene in which loss of function is an established mechanism of disease. Use of either of the alternative acceptor sites would also be expected to disrupt the reading frame (PVS1). This variant has been observed in unknown phase with a pathogenic variant in one individual with muscle weakness and clinical features consistent with LGMD (c.2120A>G p.(Asp707Gly), 0.5 pts, GRASP-LGMD Consortium internal data communication; PM3_Supporting, PP4). This variant is absent from the gnomAD v4.1.0 population database (PM2_Supporting). In summary, this variant meets the criteria to be classified as Pathogenic for autosomal recessive limb girdle muscular dystrophy based on the ACMG/AMP criteria applied, as specified by the ClinGen LGMD VCEP (LGMD VCEP specifications version 2.0.0; 10/09/2025): PVS1, PM3_Supporting, PP4, PM2_Supporting.

Labcorp Genetics (formerly Invitae), Labcorp
Classification: Likely pathogenic for Autosomal recessive limb-girdle muscular dystrophy type 2A. Last evaluated: 2023-06-02. Review status: criteria provided, single submitter. Criteria: Invitae Variant Classification Sherloc (09022015). Collection method: clinical testing. Allele origin: germline. Not counted in ClinVar's aggregate classification.
Comment: This sequence change affects a splice site in intron 9 of the CAPN3 gene. It is expected to disrupt RNA splicing. Variants that disrupt the donor or acceptor splice site typically lead to a loss of protein function (PMID: 16199547), and loss-of-function variants in CAPN3 are known to be pathogenic (PMID: 10330340, 15689361). In summary, the currently available evidence indicates that the variant is pathogenic, but additional data are needed to prove that conclusively. Therefore, this variant has been classified as Likely Pathogenic. Algorithms developed to predict the effect of sequence changes on RNA splicing suggest that this variant may disrupt the consensus splice site. This variant has not been reported in the literature in individuals affected with CAPN3-related conditions. This variant is not present in population databases (gnomAD no frequency).

Literature cited by the submitters: PubMed 16199547 (cited by Labcorp Genetics (formerly Invitae), Labcorp); PubMed 10330340 (cited by Labcorp Genetics (formerly Invitae), Labcorp); PubMed 15689361 (cited by Labcorp Genetics (formerly Invitae), Labcorp).

NM_000070.3(CAPN3):c.1194-2del

Gene: CAPN3 (calpain 3; plus strand). Cytogenetic location: 15q15.1.
Variant type: Deletion.
Coding change: c.1194-2del on transcript NM_000070.3 (MANE Select); the canonical splice acceptor site of the intron before coding-DNA position 1194, one base deleted (A; older notation c.1194-2delA).
Molecular consequence: splice acceptor variant.
Genome position (GRCh38, 1-based): chr15:42,399,490, A deleted. VCF-style (leftmost placement, unchanged base first): chr15-42399489-CA-C. GRCh37 (hg19) VCF-style: chr15-42691687-CA-C.
Other names: c.1194-2del (NM_024344.2); c.1050-2del (NM_173087.2).
Identifiers: ClinVar variation 2758089 (VCV002758089.3), dbSNP rs2141193533, ClinGen allele CA2573054000.
Genomic context (GRCh38, chr15:42,399,489, plus strand): 5'-CTTCCGTTCCCAGCCCTCCTCACCTGCTCCCATATGGCTCTCTCTCTTCTTCCAACCTCT[CA>C]GGATGTCCTATGAGGATTTCATCTACCATTTCACAAAGTTGGAGATCTGCAACCTCACGG-3'